The following is an entry in ClinVar:

NM_000051.4(ATM):c.2321G>T (p.Gly774Val)

Gene: ATM (ATM serine/threonine kinase; plus strand). Cytogenetic location: 11q22.3.
Variant type: single nucleotide variant.
Coding change: c.2321G>T on transcript NM_000051.4 (MANE Select); coding-DNA position 2321, G replaced by T.
Protein change: p.Gly774Val; replaces glycine 774 with valine.
Molecular consequence: missense variant.
Genome position (GRCh38, 1-based): chr11:108,257,551, G>T. VCF-style: chr11-108257551-G-T. GRCh37 (hg19) VCF-style: chr11-108128278-G-T.
Other names: c.2321G>T, p.Gly774Val (NM_001351834.2); short protein forms G774V.
Identifiers: ClinVar variation 567824 (VCV000567824.14), dbSNP rs1555075727, ClinGen allele CA382539976.

ClinVar aggregate classification (germline): Conflicting classifications of pathogenicity. Review status: criteria provided, conflicting classifications (1 of 4 stars). 3 submissions from 3 submitters: Uncertain significance (2); Likely benign (1). Last evaluated 2025-11-22.

Conditions:
Ataxia-telangiectasia syndrome (AT). Also called: Ataxia telangiectasia (A-T); Ataxia-telangiectasia, complementation group D; AT, COMPLEMENTATION GROUP C; ATAXIA-TELANGIECTASIA, COMPLEMENTATION GROUP A; Ataxia-telangiectasia, complementation group E; ATAXIA-TELANGIECTASIA, FRESNO VARIANT. Identifiers: Orphanet 100, MedGen C0004135, MONDO:0008840, OMIM 208900.
Hereditary cancer-predisposing syndrome. Also called: Neoplastic Syndromes, Hereditary; Tumor predisposition; Hereditary Cancer Syndrome; Hereditary neoplastic syndrome. Identifiers: Orphanet 140162, MedGen C0027672, MeSH D009386, MONDO:0015356.

gnomAD v4.1: 7 of 1,614,032 alleles (0.00043%); highest among the groups gnomAD compares: Non-Finnish European, 0.00042%; no homozygotes.

Submissions (3):

Labcorp Genetics (formerly Invitae), Labcorp
Classification: Uncertain significance for Ataxia-telangiectasia syndrome. Last evaluated: 2025-11-22. Review status: criteria provided, single submitter. Criteria: Invitae Variant Classification Sherloc (09022015). Collection method: clinical testing. Allele origin: germline.
Comment: This sequence change replaces glycine, which is neutral and non-polar, with valine, which is neutral and non-polar, at codon 774 of the ATM protein (p.Gly774Val). This variant is not present in population databases (gnomAD no frequency). This variant has not been reported in the literature in individuals affected with ATM-related conditions. ClinVar contains an entry for this variant (Variation ID: 567824). Invitae Evidence Modeling of protein sequence and biophysical properties (such as structural, functional, and spatial information, amino acid conservation, physicochemical variation, residue mobility, and thermodynamic stability) indicates that this missense variant is not expected to disrupt ATM protein function with a negative predictive value of 95%. In summary, the available evidence is currently insufficient to determine the role of this variant in disease. Therefore, it has been classified as a Variant of Uncertain Significance.

Color Diagnostics, LLC DBA Color Health
Classification: Uncertain significance for Hereditary cancer-predisposing syndrome. Last evaluated: 2023-12-05. Review status: criteria provided, single submitter. Criteria: ACMG Guidelines, 2015. Collection method: clinical testing. Allele origin: germline.
Comment: This missense variant replaces glycine with valine at codon 774 of the ATM protein. Computational prediction suggests that this variant may not impact protein structure and function (internally defined REVEL score threshold <= 0.5, PMID: 27666373). To our knowledge, functional studies have not been reported for this variant. This variant has not been reported in individuals affected with ATM-related disorders in the literature. This variant has not been identified in the general population by the Genome Aggregation Database (gnomAD). The available evidence is insufficient to determine the role of this variant in disease conclusively. Therefore, this variant is classified as a Variant of Uncertain Significance.

Ambry Genetics
Classification: Likely benign for Hereditary cancer-predisposing syndrome. Last evaluated: 2021-10-31. Review status: criteria provided, single submitter. Criteria: Ambry Variant Classification Scheme 2023. Collection method: clinical testing. Allele origin: germline.